The following is an entry in ClinVar:

ClinVar aggregate classification (germline): Uncertain significance. Review status: criteria provided, multiple submitters, no conflicts (2 of 4 stars). 2 submissions from 2 submitters: Uncertain significance (2). Last evaluated 2025-02-03.

Conditions:
Epileptic encephalopathy. Identifiers: MedGen C0543888, HP:0200134.

Allele frequency attached by ClinVar (database versions not stated): gnomAD exomes below 0.00001; TOPMed 0.00003; gnomAD 0.00004 and 0.00005.
gnomAD v4.1: 10 of 1,612,564 alleles (0.00062%); highest among the groups gnomAD compares: African/African-American, 0.012%; no homozygotes.

Submissions (2):

Ambry Genetics
Classification: Uncertain significance. Last evaluated: 2025-02-03. Review status: criteria provided, single submitter. Criteria: Ambry Variant Classification Scheme 2023. Collection method: clinical testing. Allele origin: germline.

Labcorp Genetics (formerly Invitae), Labcorp
Classification: Uncertain significance for Epileptic encephalopathy. Last evaluated: 2022-06-03. Review status: criteria provided, single submitter. Criteria: Invitae Variant Classification Sherloc (09022015). Collection method: clinical testing. Allele origin: germline.
Comment: ClinVar contains an entry for this variant (Variation ID: 968732). This variant has not been reported in the literature in individuals affected with RYR3-related conditions. The frequency data for this variant in the population databases is considered unreliable, as metrics indicate poor data quality at this position in the gnomAD database. This sequence change replaces isoleucine, which is neutral and non-polar, with methionine, which is neutral and non-polar, at codon 236 of the RYR3 protein (p.Ile236Met). Algorithms developed to predict the effect of missense changes on protein structure and function are either unavailable or do not agree on the potential impact of this missense change (SIFT: "Deleterious"; PolyPhen-2: "Possibly Damaging"; Align-GVGD: "Class C0"). In summary, the available evidence is currently insufficient to determine the role of this variant in disease. Therefore, it has been classified as a Variant of Uncertain Significance.

NM_001036.6(RYR3):c.708A>G (p.Ile236Met)

Gene: RYR3 (ryanodine receptor 3; plus strand). Cytogenetic location: 15q14.
Variant type: single nucleotide variant.
Coding change: c.708A>G on transcript NM_001036.6 (MANE Select); coding-DNA position 708, A replaced by G.
Protein change: p.Ile236Met; replaces isoleucine 236 with methionine.
Molecular consequence: missense variant.
Genome position (GRCh38, 1-based): chr15:33,543,683, A>G. VCF-style: chr15-33543683-A-G. GRCh37 (hg19) VCF-style: chr15-33835884-A-G.
Other names: c.708A>G (NM_001036.3); c.708A>G, p.Ile236Met (NM_001243996.4); short protein forms I236M.
Identifiers: ClinVar variation 968732 (VCV000968732.12), dbSNP rs966003933, ClinGen allele CA268537361.